The following is an entry in ClinVar:

ClinVar aggregate classification (germline): Uncertain significance. Review status: criteria provided, multiple submitters, no conflicts (2 of 4 stars). 2 submissions from 2 submitters: Uncertain significance (2). Last evaluated 2025-08-05.

Conditions:
Hereditary cancer-predisposing syndrome. Also called: Neoplastic Syndromes, Hereditary; Tumor predisposition; Hereditary neoplastic syndrome; Hereditary Cancer Syndrome. Identifiers: Orphanet 140162, MedGen C0027672, MeSH D009386, MONDO:0015356.

Submissions (2):

Color Diagnostics, LLC DBA Color Health
Classification: Uncertain significance for Hereditary cancer-predisposing syndrome. Last evaluated: 2025-08-05. Review status: criteria provided, single submitter. Criteria: ACMG Guidelines, 2015. Collection method: clinical testing. Allele origin: germline.
Comment: This missense variant replaces glycine with alanine at codon 74 of the MSH6 protein. Computational prediction suggests that this variant may not impact protein structure and function. To our knowledge, functional studies have not been reported for this variant. This variant has not been reported in individuals affected with MSH6-related disorders in the literature. This variant has not been identified in the general population by the Genome Aggregation Database (gnomAD). The available evidence is insufficient to determine the role of this variant in disease conclusively. Therefore, this variant is classified as a Variant of Uncertain Significance.

Ambry Genetics
Classification: Uncertain significance for Hereditary cancer-predisposing syndrome. Last evaluated: 2024-01-13. Review status: criteria provided, single submitter. Criteria: Ambry Variant Classification Scheme 2023. Collection method: clinical testing. Allele origin: germline.
Comment: The p.G74A variant (also known as c.221G>C), located in coding exon 1 of the MSH6 gene, results from a G to C substitution at nucleotide position 221. The glycine at codon 74 is replaced by alanine, an amino acid with similar properties. This amino acid position is conserved. In addition, this alteration is predicted to be tolerated by in silico analysis. Since supporting evidence is limited at this time, the clinical significance of this alteration remains unclear.

NM_000179.3(MSH6):c.221G>C (p.Gly74Ala)

Gene: MSH6 (mutS homolog 6; plus strand). Cytogenetic location: 2p16.3.
Variant type: single nucleotide variant.
Coding change: c.221G>C on transcript NM_000179.3 (MANE Select); coding-DNA position 221, G replaced by C.
Protein change: p.Gly74Ala; replaces glycine 74 with alanine.
Molecular consequence: missense variant. On other transcripts: 5 prime UTR variant (7), non-coding transcript variant (5), intron variant (5).
Genome position (GRCh38, 1-based): chr2:47,783,454, G>C. VCF-style: chr2-47783454-G-C. GRCh37 (hg19) VCF-style: chr2-48010593-G-C.
Other names: c.221G>C, p.Gly74Ala (NM_001281492.2, NM_001406795.1, NM_001406796.1 and 9 more transcripts); c.-516G>C (NM_001281493.2, NM_001406811.1); c.-108G>C (NM_001406799.1); c.166G>C, p.Glu56Gln (NM_001406804.1); c.-708G>C (NM_001406807.1); c.-363G>C (NM_001406812.1); c.-774G>C (NM_001406814.1); c.-319G>C (NM_001406816.1); and 3 more; short protein forms E56Q, G74A.
Identifiers: ClinVar variation 3230526 (VCV003230526.2), dbSNP rs2103943045, ClinGen allele CA346735087.
Genomic context (GRCh38, chr2:47,783,454, plus strand): 5'-GGCCTGGGCCCAGGCCCTTGGCGCGCTCCGCGTCACCGCCCAAGGCGAAGAACCTCAACG[G>C]AGGGCTGCGGAGATCGGTAGCGCCTGCTGCCCCCACCAGGTAGCGGGGTGGGGGTGGGGT-3'
Protein context (NP_000170.1, residues 64-84): ASPPKAKNLN[Gly74Ala]GLRRSVAPAA